The following is an entry in ClinVar:

NM_001048174.2(MUTYH):c.101C>A (p.Pro34His)

Gene: MUTYH (mutY DNA glycosylase; minus strand). Cytogenetic location: 1p34.1.
Variant type: single nucleotide variant.
Coding change: c.101C>A on transcript NM_001048174.2 (MANE Select); coding-DNA position 101, C replaced by A.
Protein change: p.Pro34His; replaces proline 34 with histidine.
Molecular consequence: missense variant. On other transcripts: 5 prime UTR variant (7), non-coding transcript variant (7).
Genome position (GRCh38, 1-based): chr1:45,334,405, G>T on the plus strand (C>A on the coding strand, the complement: MUTYH is on the minus strand). VCF-style: chr1-45334405-G-T. GRCh37 (hg19) VCF-style: chr1-45800077-G-T.
Other names: c.101C>A, p.Pro34His (NM_001048173.2, NM_001407070.1, NM_001407071.1 and 15 more transcripts); c.-107C>A (NM_001350651.2, NM_001407082.1); c.143C>A, p.Pro48His (NM_001407069.1, NM_001407073.1, NM_001128425.2 and 2 more transcripts); c.-56C>A (NM_001407075.1); c.-112C>A (NM_001293192.2, NM_001293196.2, NM_001407091.1); c.-171C>A (NM_001350650.2); c.119C>A, p.Pro40His (NM_001407087.1); short protein forms P48H, P34H, P40H.
Identifiers: ClinVar variation 4112837 (VCV004112837.1).

ClinVar aggregate classification (germline): Uncertain significance (1 of 4 stars; one submission).

Conditions:
Hereditary cancer-predisposing syndrome. Also called: Tumor predisposition; Neoplastic Syndromes, Hereditary; Hereditary neoplastic syndrome; Hereditary Cancer Syndrome. Identifiers: Orphanet 140162, MedGen C0027672, MeSH D009386, MONDO:0015356.

Submission:

Ambry Genetics
Classification: Uncertain significance for Hereditary cancer-predisposing syndrome. Last evaluated: 2025-08-27. Review status: criteria provided, single submitter. Criteria: Ambry Variant Classification Scheme 2023. Collection method: clinical testing. Allele origin: germline.
Comment: The p.P48H variant (also known as c.143C>A), located in coding exon 2 of the MUTYH gene, results from a C to A substitution at nucleotide position 143. The proline at codon 48 is replaced by histidine, an amino acid with similar properties. This amino acid position is conserved. In addition, this alteration is predicted to be tolerated by in silico analysis. Based on the available evidence, the clinical significance of this variant remains unclear.